The following is an entry in ClinVar:

NM_000096.4(CP):c.2253G>A (p.Trp751Ter)

Gene: CP (ceruloplasmin; minus strand). Cytogenetic location: 3q24.
Variant type: single nucleotide variant.
Coding change: c.2253G>A on transcript NM_000096.4 (MANE Select); coding-DNA position 2253, G replaced by A.
Protein change: p.Trp751Ter; replaces tryptophan 751 with a stop codon.
Molecular consequence: nonsense. On other transcripts: non-coding transcript variant (1).
Genome position (GRCh38, 1-based): chr3:149,185,271, C>T on the plus strand (G>A on the coding strand, the complement: CP is on the minus strand). VCF-style: chr3-149185271-C-T. GRCh37 (hg19) VCF-style: chr3-148903058-C-T.
Other names: short protein forms W751*.
Identifiers: ClinVar variation 574977 (VCV000574977.6), dbSNP rs1559940237, ClinGen allele CA354931857.
Genomic context (GRCh38, chr3:149,185,271, plus strand): 5'-AATTGGGAATCAGAGTCTGGAGAATTACTTCTGCTCTTGTAAATGATGCAGCTCCTTTTC[C>T]CACTCCCTTTGTGGGGAATAATCCCATTCCACCTCCACTGCTGCGATATAGTATGTCCTC-3'

ClinVar aggregate classification (germline): Pathogenic (1 of 4 stars; one submission).

Conditions:
Deficiency of ferroxidase (ACEP). Also called: Deficiency of ceruloplasmin; NEURODEGENERATION WITH BRAIN IRON ACCUMULATION 10; Aceruloplasminemia; Ceruloplasmin deficiency; Familial apoceruloplasmin deficiency; Hereditary ceruloplasmin deficiency. Identifiers: Orphanet 48818, MedGen C0878682, MONDO:0011426, OMIM 604290, HP:0025498.

Submission:

Labcorp Genetics (formerly Invitae), Labcorp
Classification: Pathogenic for Deficiency of ferroxidase. Last evaluated: 2017-07-06. Review status: criteria provided, single submitter. Criteria: Invitae Variant Classification Sherloc (09022015). Collection method: clinical testing. Allele origin: germline.
Comment: For these reasons, this variant has been classified as Pathogenic. Loss-of-function variants in CP are known to be pathogenic (PMID: 16629161). This variant has not been reported in the literature in individuals with CP-related disease. This variant is not present in population databases (ExAC no frequency). This sequence change creates a premature translational stop signal (p.Trp751*) in the CP gene. It is expected to result in an absent or disrupted protein product.

Literature cited by the submitters: PubMed 16629161.